The following is an entry in ClinVar:

NM_033026.6(PCLO):c.7568C>T (p.Thr2523Ile)

Gene: PCLO (piccolo presynaptic cytomatrix protein; minus strand). Cytogenetic location: 7q21.11.
Variant type: single nucleotide variant.
Coding change: c.7568C>T on transcript NM_033026.6 (MANE Select); coding-DNA position 7568, C replaced by T.
Protein change: p.Thr2523Ile; replaces threonine 2523 with isoleucine.
Molecular consequence: missense variant.
Genome position (GRCh38, 1-based): chr7:82,953,385, G>A on the plus strand (C>T on the coding strand, the complement: PCLO is on the minus strand). VCF-style: chr7-82953385-G-A. GRCh37 (hg19) VCF-style: chr7-82582701-G-A.
Other names: c.7568C>T, p.Thr2523Ile (NM_014510.3); c.7568C>T (NM_033026.5); short protein forms T2523I.
Identifiers: ClinVar variation 1950276 (VCV001950276.7), dbSNP rs1317854059, ClinGen allele CA367916708.

ClinVar aggregate classification (germline): Uncertain significance. Review status: criteria provided, multiple submitters, no conflicts (2 of 4 stars). 2 submissions from 2 submitters: Uncertain significance (2). Last evaluated 2023-02-14.

Conditions:
Inborn genetic diseases. Identifiers: MedGen C0950123, MeSH D030342.

Allele frequency attached by ClinVar (database versions not stated): gnomAD exomes below 0.00001.
gnomAD v4.1: 4 of 1,613,678 alleles (0.00025%); highest among the groups gnomAD compares: East Asian, 0.0022%; no homozygotes.

Submissions (2):

Ambry Genetics
Classification: Uncertain significance for Inborn genetic diseases. Last evaluated: 2023-02-14. Review status: criteria provided, single submitter. Criteria: Ambry Variant Classification Scheme 2023. Collection method: clinical testing. Allele origin: germline.

Labcorp Genetics (formerly Invitae), Labcorp
Classification: Uncertain significance. Last evaluated: 2022-11-15. Review status: criteria provided, single submitter. Criteria: Invitae Variant Classification Sherloc (09022015). Collection method: clinical testing. Allele origin: germline.
Comment: This sequence change replaces threonine, which is neutral and polar, with isoleucine, which is neutral and non-polar, at codon 2523 of the PCLO protein (p.Thr2523Ile). This variant is not present in population databases (gnomAD no frequency). This variant has not been reported in the literature in individuals affected with PCLO-related conditions. Algorithms developed to predict the effect of missense changes on protein structure and function are either unavailable or do not agree on the potential impact of this missense change (SIFT: "Tolerated"; PolyPhen-2: "Not Available"; Align-GVGD: "Class C0"). In summary, the available evidence is currently insufficient to determine the role of this variant in disease. Therefore, it has been classified as a Variant of Uncertain Significance.